The following is an entry in ClinVar:

NM_002103.5(GYS1):c.2043C>T (p.Ala681=)

Gene: GYS1 (glycogen synthase 1; minus strand). Cytogenetic location: 19q13.33.
Variant type: single nucleotide variant.
Coding change: c.2043C>T on transcript NM_002103.5 (MANE Select); coding-DNA position 2043, C replaced by T.
Protein change: p.Ala681=; no amino-acid change (alanine 681 retained).
Molecular consequence: synonymous variant. On other transcripts: non-coding transcript variant (1).
Genome position (GRCh38, 1-based): chr19:48,969,459, G>A on the plus strand (C>T on the coding strand, the complement: GYS1 is on the minus strand). VCF-style: chr19-48969459-G-A. GRCh37 (hg19) VCF-style: chr19-49472716-G-A.
Other names: c.1851C>T, p.Ala617= (NM_001161587.2).
Identifiers: ClinVar variation 369281 (VCV000369281.43), dbSNP rs142265031, ClinGen allele CA9562711.

ClinVar aggregate classification (germline): Conflicting classifications of pathogenicity. Review status: criteria provided, conflicting classifications (1 of 4 stars). 6 submissions from 6 submitters: Uncertain significance (1); Benign (1); Likely benign (3). 1 of the submissions does not count toward it. Last evaluated 2026-01-14.

Conditions:
GYS1-related disorder. Also called: GYS1-related condition.
Glycogen storage disease due to muscle and heart glycogen synthase deficiency. Also called: MUSCLE GLYCOGEN SYNTHASE DEFICIENCY; GSD 0b. Identifiers: Orphanet 137625, MedGen C1969054, MONDO:0012693, OMIM 611556.

Allele frequency attached by ClinVar (database versions not stated): gnomAD exomes 0.00056 and 0.00055; ExAC 0.00142; 1000 Genomes Project 0.00020; TOPMed 0.00022; gnomAD 0.00023 and 0.00031; 1000 Genomes Project 30x 0.00031; ESP Exome Variant Server 0.00032.
gnomAD v4.1: 798 of 1,544,978 alleles (0.052%); highest among the groups gnomAD compares: South Asian, 0.26%; 2 homozygotes.

Submissions (6):

Labcorp Genetics (formerly Invitae), Labcorp
Classification: Benign for Glycogen storage disease due to muscle and heart glycogen synthase deficiency. Last evaluated: 2026-01-14. Review status: criteria provided, single submitter. Criteria: Invitae Variant Classification Sherloc (09022015). Collection method: clinical testing. Allele origin: germline.

ARUP Laboratories, Molecular Genetics and Genomics, ARUP Laboratories
Classification: Likely benign for Glycogen storage disease due to muscle and heart glycogen synthase deficiency. Last evaluated: 2025-01-13. Review status: criteria provided, single submitter. Criteria: ARUP Molecular Germline Variant Investigation Process 2024. Collection method: clinical testing. Allele origin: germline.

CeGaT Center for Human Genetics Tuebingen
Classification: Likely benign. Last evaluated: 2024-06-01. Review status: criteria provided, single submitter. Criteria: CeGaT Center For Human Genetics Tuebingen Variant Classification Criteria Version 2. Collection method: clinical testing. Allele origin: germline. Affected: yes. Observed: 3 variant alleles.
Comment: GYS1: BP4, BP7

Illumina Laboratory Services, Illumina
Classification: Uncertain significance for Glycogen storage disease due to muscle and heart glycogen synthase deficiency. Last evaluated: 2018-01-12. Review status: criteria provided, single submitter. Criteria: ICSL Variant Classification Criteria 13 December 2019. Collection method: clinical testing. Allele origin: germline.

GeneDx
Classification: Likely benign. Last evaluated: 2016-10-18. Review status: criteria provided, single submitter. Criteria: GeneDx Variant Classification (06012015). Collection method: clinical testing. Allele origin: germline. Affected: yes.
Comment: This variant is considered likely benign or benign based on one or more of the following criteria: it is a conservative change, it occurs at a poorly conserved position in the protein, it is predicted to be benign by multiple in silico algorithms, and/or has population frequency not consistent with disease.

PreventionGenetics, part of Exact Sciences
Classification: Likely benign for GYS1-related condition. Last evaluated: 2020-02-20. Review status: no assertion criteria provided. Collection method: clinical testing. Allele origin: germline. Not counted in ClinVar's aggregate classification.
Comment: This variant is classified as likely benign based on ACMG/AMP sequence variant interpretation guidelines (Richards et al. 2015 PMID: 25741868, with internal and published modifications).